The following is an entry in ClinVar:

NM_001243133.2(NLRP3):c.625C>G (p.Pro209Ala)

Gene: NLRP3 (NLR family pyrin domain containing 3; plus strand). Cytogenetic location: 1q44.
Variant type: single nucleotide variant.
Coding change: c.625C>G on transcript NM_001243133.2 (MANE Select); coding-DNA position 625, C replaced by G.
Protein change: p.Pro209Ala; replaces proline 209 with alanine.
Molecular consequence: missense variant.
Genome position (GRCh38, 1-based): chr1:247,424,074, C>G. VCF-style: chr1-247424074-C-G. GRCh37 (hg19) VCF-style: chr1-247587376-C-G.
Other names: c.625C>G, p.Pro209Ala (NM_001079821.3, NM_001127461.3, NM_001127462.3 and 1 more transcripts); c.631C>G, p.Pro211Ala (NM_004895.5); short protein forms P209A, P211A.
Identifiers: ClinVar variation 3608010 (VCV003608010.2).
Genomic context (GRCh38, chr1:247,424,074, plus strand): 5'-GGCAAGACCAAGACGTGTGAGAGCCCCGTGAGTCCCATTAAGATGGAGTTGCTGTTTGAC[C>G]CCGATGATGAGCATTCTGAGCCTGTGCACACCGTGGTGTTCCAGGGGGCGGCAGGGATTG-3'
Protein context (NP_001230062.1, residues 199-219): SPIKMELLFD[Pro209Ala]DDEHSEPVHT

ClinVar aggregate classification (germline): Uncertain significance (1 of 4 stars; one submission).

Conditions:
Cryopyrin associated periodic syndrome (CAPS). Identifiers: Orphanet 208650, MedGen C2316212, MONDO:0016168.

Submission:

Labcorp Genetics (formerly Invitae), Labcorp
Classification: Uncertain significance for Cryopyrin associated periodic syndrome. Last evaluated: 2024-06-19. Review status: criteria provided, single submitter. Criteria: Invitae Variant Classification Sherloc (09022015). Collection method: clinical testing. Allele origin: germline.
Comment: This sequence change replaces proline, which is neutral and non-polar, with alanine, which is neutral and non-polar, at codon 211 of the NLRP3 protein (p.Pro211Ala). This variant is present in population databases (rs765608542, gnomAD 0.003%). This variant has not been reported in the literature in individuals affected with NLRP3-related conditions. Advanced modeling of protein sequence and biophysical properties (such as structural, functional, and spatial information, amino acid conservation, physicochemical variation, residue mobility, and thermodynamic stability) has been performed at Invitae for this missense variant, however the output from this modeling did not meet the statistical confidence thresholds required to predict the impact of this variant on NLRP3 protein function. In summary, the available evidence is currently insufficient to determine the role of this variant in disease. Therefore, it has been classified as a Variant of Uncertain Significance.